The following is an entry in ClinVar:

NM_004447.6(EPS8):c.1207C>T (p.Arg403Trp)

Gene: EPS8 (EGFR pathway substrate 8, signaling adaptor; minus strand). Cytogenetic location: 12p12.3.
Variant type: single nucleotide variant.
Coding change: c.1207C>T on transcript NM_004447.6 (MANE Select); coding-DNA position 1207, C replaced by T.
Protein change: p.Arg403Trp; replaces arginine 403 with tryptophan.
Molecular consequence: missense variant.
Genome position (GRCh38, 1-based): chr12:15,654,188, G>A on the plus strand (C>T on the coding strand, the complement: EPS8 is on the minus strand). VCF-style: chr12-15654188-G-A. GRCh37 (hg19) VCF-style: chr12-15807122-G-A.
Other names: c.1207C>T, p.Arg403Trp (NM_001413831.1, NM_001413832.1, NM_001413833.1 and 2 more transcripts); c.967C>T, p.Arg323Trp (NM_001413835.1, NM_001413836.1); c.790C>T, p.Arg264Trp (NM_001413837.1); c.427C>T, p.Arg143Trp (NM_001413838.1); short protein forms R143W, R264W, R323W, R403W.
Identifiers: ClinVar variation 2430538 (VCV002430538.4), dbSNP rs767482039, ClinGen allele CA233361630.

ClinVar aggregate classification (germline): Uncertain significance. Review status: criteria provided, multiple submitters, no conflicts (2 of 4 stars). 3 submissions from 3 submitters: Uncertain significance (3). Last evaluated 2025-12-19.

Conditions:
Inborn genetic diseases. Identifiers: MedGen C0950123, MeSH D030342.

Allele frequency attached by ClinVar (database versions not stated): gnomAD 0.00003; TOPMed 0.00003.

Submissions (3):

GeneDx
Classification: Uncertain significance. Last evaluated: 2025-12-19. Review status: criteria provided, single submitter. Criteria: GeneDx Variant Classification Process June 2021. Collection method: clinical testing. Allele origin: germline.
Comment: Not observed at significant frequency in large population cohorts (gnomAD); In silico analysis supports that this missense variant has a deleterious effect on protein structure/function; Has not been previously published as pathogenic or benign to our knowledge

Ambry Genetics
Classification: Uncertain significance for Inborn genetic diseases. Last evaluated: 2024-07-26. Review status: criteria provided, single submitter. Criteria: Ambry Variant Classification Scheme 2023. Collection method: clinical testing. Allele origin: germline.

Blueprint Genetics
Classification: Uncertain significance. Last evaluated: 2022-09-15. Review status: criteria provided, single submitter. Criteria: ACMG Guidelines, 2015. Collection method: clinical testing. Allele origin: germline.